The following is an entry in ClinVar:

ClinVar aggregate classification (germline): Pathogenic (1 of 4 stars; one submission).

Submission:

GeneDx
Classification: Pathogenic. Last evaluated: 2022-12-07. Review status: criteria provided, single submitter. Criteria: GeneDx Variant Classification Process June 2021. Collection method: clinical testing. Allele origin: germline. Affected: yes.
Comment: Nonsense variant predicted to result in protein truncation or nonsense mediated decay in a gene for which loss of function is a known mechanism of disease; Not observed at significant frequency in large population cohorts (gnomAD); Has not been previously published as pathogenic or benign to our knowledge; Based on the understanding of this genetic alteration, it may be amenable to nonsense read-through therapy that is currently available or in clinical trial

NM_004006.3(DMD):c.4546A>T (p.Lys1516Ter)

Gene: DMD (dystrophin; minus strand). Cytogenetic location: Xp21.1.
Variant type: single nucleotide variant.
Coding change: c.4546A>T on transcript NM_004006.3 (MANE Select); coding-DNA position 4546, A replaced by T.
Protein change: p.Lys1516Ter; replaces lysine 1516 with a stop codon.
Molecular consequence: nonsense.
Genome position (GRCh38, 1-based): chrX:32,386,438, T>A on the plus strand (A>T on the coding strand, the complement: DMD is on the minus strand). VCF-style: chrX-32386438-T-A. GRCh37 (hg19) VCF-style: chrX-32404555-T-A.
Other names: c.4522A>T, p.Lys1508Ter (NM_000109.4); c.4534A>T, p.Lys1512Ter (NM_004009.3); c.4177A>T, p.Lys1393Ter (NM_004010.3); c.523A>T, p.Lys175Ter (NM_004011.4); c.514A>T, p.Lys172Ter (NM_004012.4); short protein forms K1516*, K172*, K1393*, K1508*, K1512*, K175*.
Identifiers: ClinVar variation 620249 (VCV000620249.2), dbSNP rs1569560626, ClinGen allele CA412662751.